The following is an entry in ClinVar:

ClinVar aggregate classification (germline): Benign/Likely benign. Review status: criteria provided, multiple submitters, no conflicts (2 of 4 stars). 7 submissions from 7 submitters: Benign (6); Likely benign (1). Last evaluated 2026-02-04.

Conditions:
Dyskeratosis congenita, autosomal dominant 6 (DKCA6). Identifiers: Orphanet 3322, MedGen C4225284, MONDO:0014690, OMIM 616553.

Allele frequency attached by ClinVar (database versions not stated): gnomAD exomes 0.09691 and 0.10844; ExAC 0.11097; 1000 Genomes Project 0.12101; 1000 Genomes Project 30x 0.12711; gnomAD 0.12821 and 0.13128; TOPMed 0.12914; ESP Exome Variant Server 0.13312.
gnomAD v4.1: 161,056 of 1,613,886 alleles (10%); highest among the groups gnomAD compares: African/African-American, 19%; 8,943 homozygotes.

Submissions (7):

Labcorp Genetics (formerly Invitae), Labcorp
Classification: Benign for Dyskeratosis congenita, autosomal dominant 6. Last evaluated: 2026-02-04. Review status: criteria provided, single submitter. Criteria: Invitae Variant Classification Sherloc (09022015). Collection method: clinical testing. Allele origin: germline.

ARUP Laboratories, Molecular Genetics and Genomics, ARUP Laboratories
Classification: Benign. Last evaluated: 2025-07-18. Review status: criteria provided, single submitter. Criteria: ARUP Molecular Germline Variant Investigation Process 2024. Collection method: clinical testing. Allele origin: germline.

Blueprint Genetics
Classification: Likely benign. Last evaluated: 2024-11-27. Review status: criteria provided, single submitter. Criteria: ACMG Guidelines, 2015. Collection method: clinical testing. Allele origin: germline.

Unidad de Genómica Garrahan, Hospital de Pediatría Garrahan
Classification: Benign. Last evaluated: 2024-01-24. Review status: criteria provided, single submitter. Criteria: ACMG Guidelines, 2015. Collection method: clinical testing. Allele origin: germline. Affected: no. Observed: 30 variant alleles.
Comment: This variant is classified as Benign based on local population frequency. This variant was detected in 32% of patients studied by a panel of primary immunodeficiencies. Number of patients: 30. Only high quality variants are reported.

Genome-Nilou Lab
Classification: Benign for Dyskeratosis congenita, autosomal dominant 6. Last evaluated: 2021-12-05. Review status: criteria provided, single submitter. Criteria: ACMG Guidelines, 2015. Collection method: clinical testing. Allele origin: germline. Affected: no.

GeneDx
Classification: Benign. Last evaluated: 2019-01-24. Review status: criteria provided, single submitter. Criteria: GeneDx Variant Classification Process June 2021. Collection method: clinical testing. Allele origin: germline. Affected: yes.

Breakthrough Genomics
Classification: Benign. Review status: criteria provided, single submitter. Criteria: ACMG Guidelines, 2015. Collection method: not provided. Allele origin: germline. Inheritance: Autosomal dominant inheritance. Affected: yes.

NM_001082486.2(ACD):c.1298+20C>A

Gene: ACD (ACD shelterin complex subunit and telomerase recruitment factor; minus strand). Cytogenetic location: 16q22.1.
Variant type: single nucleotide variant.
Coding change: c.1298+20C>A on transcript NM_001082486.2 (MANE Select); 20 bases into the intron after coding-DNA position 1298, C replaced by A.
Molecular consequence: intron variant.
Genome position (GRCh38, 1-based): chr16:67,657,742, G>T on the plus strand (C>A on the coding strand, the complement: ACD is on the minus strand). VCF-style: chr16-67657742-G-T. GRCh37 (hg19) VCF-style: chr16-67691645-G-T.
Other names: c.1289+20C>A (NM_022914.3).
Identifiers: ClinVar variation 1166998 (VCV001166998.19), dbSNP rs67114979, ClinGen allele CA8114376.
Genomic context (GRCh38, chr16:67,657,742, plus strand): 5'-AGCCTGGAAAGAAACCACCGCTGCAGGTCAATGGAGCCTGGGACTAGTGACCAAGAGTTG[G>T]GGCAGACCCAGGCACTCACCTGACAGCTTGGACCCGAGCACAGAGGGACGTGCAGGGTGG-3'